The following is an entry in ClinVar:

NM_000161.3(GCH1):c.197T>C (p.Leu66Pro)

Gene: GCH1 (GTP cyclohydrolase 1; minus strand). Cytogenetic location: 14q22.2.
Variant type: single nucleotide variant.
Coding change: c.197T>C on transcript NM_000161.3 (MANE Select); coding-DNA position 197, T replaced by C.
Protein change: p.Leu66Pro; replaces leucine 66 with proline.
Molecular consequence: missense variant.
Genome position (GRCh38, 1-based): chr14:54,902,467, A>G on the plus strand (T>C on the coding strand, the complement: GCH1 is on the minus strand). VCF-style: chr14-54902467-A-G. GRCh37 (hg19) VCF-style: chr14-55369185-A-G.
Other names: c.197T>C, p.Leu66Pro (NM_001024024.2, NM_001024070.2, NM_001024071.2); short protein forms L66P.
Identifiers: ClinVar variation 1422514 (VCV001422514.5), dbSNP rs1042390728, ClinGen allele CA260531758.

ClinVar aggregate classification (germline): Uncertain significance (1 of 4 stars; one submission).

Conditions:
GTP cyclohydrolase I deficiency. Identifiers: MedGen C0268467, MONDO:0100184.
Dystonia 5 (DRD). Also called: GTP Cyclohydrolase 1-Deficient Dopa-Responsive Dystonia; DYSTONIA, PROGRESSIVE, WITH DIURNAL VARIATION; DYSTONIA-PARKINSONISM WITH DIURNAL FLUCTUATION; DYT-GCH1; Dystonia, DOPA-responsive, with or without hyperphenylalaninemia. Identifiers: Orphanet 98808, MedGen C1851920, MONDO:0007495, OMIM 128230.

Allele frequency attached by ClinVar (database versions not stated): gnomAD exomes below 0.00001.
gnomAD v4.1: 1 of 1,612,400 alleles (0.000062%); no homozygotes.

Submission:

Labcorp Genetics (formerly Invitae), Labcorp
Classification: Uncertain significance for GTP cyclohydrolase I deficiency; Dystonia 5. Last evaluated: 2021-09-01. Review status: criteria provided, single submitter. Criteria: Invitae Variant Classification Sherloc (09022015). Collection method: clinical testing. Allele origin: germline.
Comment: This sequence change replaces leucine with proline at codon 66 of the GCH1 protein (p.Leu66Pro). The leucine residue is weakly conserved and there is a moderate physicochemical difference between leucine and proline. This variant is not present in population databases (ExAC no frequency). This variant has not been reported in the literature in individuals affected with GCH1-related conditions. Advanced modeling of protein sequence and biophysical properties (such as structural, functional, and spatial information, amino acid conservation, physicochemical variation, residue mobility, and thermodynamic stability) performed at Invitae indicates that this missense variant is not expected to disrupt GCH1 protein function. In summary, the available evidence is currently insufficient to determine the role of this variant in disease. Therefore, it has been classified as a Variant of Uncertain Significance.